The following is an entry in ClinVar:

ClinVar aggregate classification (germline): Uncertain significance. Review status: criteria provided, multiple submitters, no conflicts (2 of 4 stars). 3 submissions from 3 submitters: Uncertain significance (3). Last evaluated 2024-02-22.

Conditions:
Cardiomyopathy (CMYO). Also called: Cardiomyopathies. Identifiers: Orphanet 167848, MedGen C0878544, MONDO:0004994, HP:0001638. Inheritance: Various modes of inheritance.
Hypertrophic cardiomyopathy. Also called: HYPERTROPHIC MYOCARDIOPATHY. Identifiers: Orphanet 217569, MedGen C0007194, MeSH D002312, MONDO:0005045, HP:0001639.

Submissions (3):

All of Us Research Program, National Institutes of Health
Classification: Uncertain significance for Cardiomyopathy. Last evaluated: 2024-02-22. Review status: criteria provided, single submitter. Criteria: ACMG Guidelines, 2015. Collection method: clinical testing. Allele origin: germline. Inheritance: Autosomal dominant inheritance. Observed: 1 variant allele, 1 heterozygote.
Comment: This missense variant replaces aspartic acid with histidine at codon 986 of the MYH7 protein. Computational prediction suggests that this variant may have deleterious impact on protein structure and function (internally defined REVEL score threshold >= 0.7, PMID: 27666373). To our knowledge, functional studies have not been reported for this variant. This variant has not been reported in individuals affected with MYH7-related disorders in the literature. This variant has not been identified in the general population by the Genome Aggregation Database (gnomAD). The available evidence is insufficient to determine the role of this variant in disease conclusively. Therefore, this variant is classified as a Variant of Uncertain Significance.

This study involves interpretation of variants in research participants for the purpose of population health screening. Participant phenotype was not available at the time of variant classification. Additional details can be found in publication PMID: 35346344, PMCID: PMC8962531

Labcorp Genetics (formerly Invitae), Labcorp
Classification: Uncertain significance for Hypertrophic cardiomyopathy. Last evaluated: 2020-09-19. Review status: criteria provided, single submitter. Criteria: Invitae Variant Classification Sherloc (09022015). Collection method: clinical testing. Allele origin: germline.
Comment: This sequence change replaces aspartic acid with histidine at codon 986 of the MYH7 protein (p.Asp986His). The aspartic acid residue is highly conserved and there is a moderate physicochemical difference between aspartic acid and histidine. This variant is not present in population databases (ExAC no frequency). This variant has not been reported in the literature in individuals with MYH7-related conditions. Algorithms developed to predict the effect of missense changes on protein structure and function are either unavailable or do not agree on the potential impact of this missense change (SIFT: "Deleterious"; PolyPhen-2: "Probably Damaging"; Align-GVGD: "Class C0"). In summary, the available evidence is currently insufficient to determine the role of this variant in disease. Therefore, it has been classified as a Variant of Uncertain Significance.

Blueprint Genetics
Classification: Uncertain significance. Last evaluated: 2019-02-11. Review status: criteria provided, single submitter. Criteria: ACMG Guidelines, 2015. Collection method: clinical testing. Allele origin: germline.

NM_000257.4(MYH7):c.2956G>C (p.Asp986His)

Gene: MYH7 (myosin heavy chain 7; minus strand). Cytogenetic location: 14q11.2.
Variant type: single nucleotide variant.
Coding change: c.2956G>C on transcript NM_000257.4 (MANE Select); coding-DNA position 2956, G replaced by C.
Protein change: p.Asp986His; replaces aspartic acid 986 with histidine.
Molecular consequence: missense variant.
Genome position (GRCh38, 1-based): chr14:23,423,690, C>G on the plus strand (G>C on the coding strand, the complement: MYH7 is on the minus strand). VCF-style: chr14-23423690-C-G. GRCh37 (hg19) VCF-style: chr14-23892899-C-G.
Other names: c.2956G>C, p.Asp986His (NM_001407004.1); short protein forms D986H.
Identifiers: ClinVar variation 1991861 (VCV001991861.3), dbSNP rs2502278218, ClinGen allele CA389046427.